The following is an entry in ClinVar:

ClinVar aggregate classification (germline): Uncertain significance. Review status: criteria provided, multiple submitters, no conflicts (2 of 4 stars). 2 submissions from 2 submitters: Uncertain significance (2). Last evaluated 2024-08-28.

Conditions:
Amyotrophic lateral sclerosis type 1 (ALS1). Also called: AMYOTROPHIC LATERAL SCLEROSIS 1, FAMILIAL. Identifiers: Orphanet 803, MedGen C1862939, MONDO:0007103, OMIM 105400.
Neuronopathy, distal hereditary motor, type 7B. Also called: Distal Hereditary Motor Neuronopathy Type 7B (dHMN7B); LOWER MOTOR NEURON DISEASE, DYNACTIN TYPE; NEURONOPATHY, DISTAL HEREDITARY MOTOR, AUTOSOMAL DOMINANT 14; NEURONOPATHY, DISTAL HEREDITARY MOTOR, HARDING TYPE VIIB; NEUROPATHY, DISTAL HEREDITARY MOTOR, HARDING TYPE VIIB; NEUROPATHY, DISTAL HEREDITARY MOTOR, WITH VOCAL CORD PARALYSIS, HARDING TYPE VIIB. Identifiers: Orphanet 139589, MedGen C1843315, MONDO:0011879, OMIM 607641.
Perry syndrome. Also called: PARKINSONISM WITH ALVEOLAR HYPOVENTILATION AND MENTAL DEPRESSION. Identifiers: Orphanet 178509, MedGen C1868594, MONDO:0008201, OMIM 168605.

Allele frequency attached by ClinVar (database versions not stated): gnomAD exomes below 0.00001.
gnomAD v4.1: 9 of 1,614,054 alleles (0.00056%); highest among the groups gnomAD compares: Non-Finnish European, 0.00051%; no homozygotes.

Submissions (2):

Labcorp Genetics (formerly Invitae), Labcorp
Classification: Uncertain significance for Amyotrophic lateral sclerosis type 1; Neuronopathy, distal hereditary motor, type 7B; Perry syndrome. Last evaluated: 2024-08-28. Review status: criteria provided, single submitter. Criteria: Invitae Variant Classification Sherloc (09022015). Collection method: clinical testing. Allele origin: germline.
Comment: This sequence change replaces lysine, which is basic and polar, with glutamic acid, which is acidic and polar, at codon 1133 of the DCTN1 protein (p.Lys1133Glu). This variant is present in population databases (no rsID available, gnomAD 0.0009%). This variant has not been reported in the literature in individuals affected with DCTN1-related conditions. ClinVar contains an entry for this variant (Variation ID: 425205). Invitae Evidence Modeling of protein sequence and biophysical properties (such as structural, functional, and spatial information, amino acid conservation, physicochemical variation, residue mobility, and thermodynamic stability) indicates that this missense variant is not expected to disrupt DCTN1 protein function with a negative predictive value of 80%. In summary, the available evidence is currently insufficient to determine the role of this variant in disease. Therefore, it has been classified as a Variant of Uncertain Significance.

CeGaT Center for Human Genetics Tuebingen
Classification: Uncertain significance. Last evaluated: 2016-12-01. Review status: criteria provided, single submitter. Criteria: CeGaT Center For Human Genetics Tuebingen Variant Classification Criteria Version 2. Collection method: clinical testing. Allele origin: germline. Affected: yes. Observed: 1 variant allele.

NM_004082.5(DCTN1):c.3397A>G (p.Lys1133Glu)

Gene: DCTN1 (dynactin subunit 1; minus strand). Cytogenetic location: 2p13.1.
Variant type: single nucleotide variant.
Coding change: c.3397A>G on transcript NM_004082.5 (MANE Select); coding-DNA position 3397, A replaced by G.
Protein change: p.Lys1133Glu; replaces lysine 1133 with glutamic acid.
Molecular consequence: missense variant. On other transcripts: non-coding transcript variant (1).
Genome position (GRCh38, 1-based): chr2:74,363,126, T>C on the plus strand (A>G on the coding strand, the complement: DCTN1 is on the minus strand). VCF-style: chr2-74363126-T-C. GRCh37 (hg19) VCF-style: chr2-74590253-T-C.
Other names: c.3322A>G, p.Lys1108Glu (NM_001135040.3); c.2980A>G, p.Lys994Glu (NM_001135041.3); c.3271A>G, p.Lys1091Glu (NM_001190836.2); c.3376A>G, p.Lys1126Glu (NM_001190837.2); c.3346A>G, p.Lys1116Glu (NM_001378991.1); c.3328A>G, p.Lys1110Glu (NM_001378992.1); c.2995A>G, p.Lys999Glu (NM_023019.4); short protein forms K1091E, K1133E, K999E, K994E, K1108E, K1126E, K1110E, K1116E.
Identifiers: ClinVar variation 425205 (VCV000425205.46), dbSNP rs1064797254, ClinGen allele CA16621752.